The following is an entry in ClinVar:

NM_001041.4(SI):c.833A>C (p.Gln278Pro)

Gene: SI (sucrase-isomaltase; minus strand). Cytogenetic location: 3q26.1.
Variant type: single nucleotide variant.
Coding change: c.833A>C on transcript NM_001041.4 (MANE Select); coding-DNA position 833, A replaced by C.
Protein change: p.Gln278Pro; replaces glutamine 278 with proline.
Molecular consequence: missense variant.
Genome position (GRCh38, 1-based): chr3:165,063,516, T>G on the plus strand (A>C on the coding strand, the complement: SI is on the minus strand). VCF-style: chr3-165063516-T-G. GRCh37 (hg19) VCF-style: chr3-164781304-T-G.
Other names: short protein forms Q278P.
Identifiers: ClinVar variation 2010130 (VCV002010130.4), dbSNP rs2473422202, ClinGen allele CA355031833.
Genomic context (GRCh38, chr3:165,063,516, plus strand): 5'-TTCATTAAAAAAACACCGAATGACTTTCCAGATGTATCTTCAATACACATAAAGAATGTT[T>G]GATGGCCGTATAAATTATTATTATTCTATAAGGCAAGAATTTGAAAATACGATTTTCAAA-3'
Protein context (NP_001032.2, residues 268-288): GDNNNNLYGH[Gln278Pro]TFFMCIEDTS

ClinVar aggregate classification (germline): Uncertain significance (1 of 4 stars; one submission).

Allele frequency attached by ClinVar (database versions not stated): gnomAD exomes below 0.00001.
gnomAD v4.1: 4 of 1,540,864 alleles (0.00026%); highest among the groups gnomAD compares: Non-Finnish European, 0.00036%; no homozygotes.

Submission:

Labcorp Genetics (formerly Invitae), Labcorp
Classification: Uncertain significance. Last evaluated: 2022-06-24. Review status: criteria provided, single submitter. Criteria: Invitae Variant Classification Sherloc (09022015). Collection method: clinical testing. Allele origin: germline.
Comment: In summary, the available evidence is currently insufficient to determine the role of this variant in disease. Therefore, it has been classified as a Variant of Uncertain Significance. Advanced modeling of protein sequence and biophysical properties (such as structural, functional, and spatial information, amino acid conservation, physicochemical variation, residue mobility, and thermodynamic stability) performed at Invitae indicates that this missense variant is expected to disrupt SI protein function. This variant has not been reported in the literature in individuals affected with SI-related conditions. This variant is not present in population databases (gnomAD no frequency). This sequence change replaces glutamine, which is neutral and polar, with proline, which is neutral and non-polar, at codon 278 of the SI protein (p.Gln278Pro).